The following is an entry in ClinVar:

ClinVar aggregate classification (germline): Uncertain significance (1 of 4 stars; one submission).

Allele frequency attached by ClinVar (database versions not stated): ExAC 0.00001; gnomAD 0.00002; TOPMed 0.00002; gnomAD exomes 0.00005.
gnomAD v4.1: 77 of 1,614,170 alleles (0.0048%); highest among the groups gnomAD compares: South Asian, 0.014%; no homozygotes.

Submission:

Labcorp Genetics (formerly Invitae), Labcorp
Classification: Uncertain significance. Last evaluated: 2024-10-24. Review status: criteria provided, single submitter. Criteria: Invitae Variant Classification Sherloc (09022015). Collection method: clinical testing. Allele origin: germline.
Comment: This sequence change replaces arginine, which is basic and polar, with glutamine, which is neutral and polar, at codon 489 of the DMP1 protein (p.Arg489Gln). This variant is present in population databases (rs751766468, gnomAD 0.01%). This variant has not been reported in the literature in individuals affected with DMP1-related conditions. ClinVar contains an entry for this variant (Variation ID: 2414864). Invitae Evidence Modeling of protein sequence and biophysical properties (such as structural, functional, and spatial information, amino acid conservation, physicochemical variation, residue mobility, and thermodynamic stability) indicates that this missense variant is expected to disrupt DMP1 protein function with a positive predictive value of 80%. In summary, the available evidence is currently insufficient to determine the role of this variant in disease. Therefore, it has been classified as a Variant of Uncertain Significance.

NM_004407.4(DMP1):c.1466G>A (p.Arg489Gln)

Genes: DMP1 (dentin matrix acidic phosphoprotein 1; plus strand), DMP1-AS1 (DMP1 and DSPP antisense RNA 1; minus strand). Cytogenetic location: 4q22.1.
Variant type: single nucleotide variant.
Coding change: c.1466G>A on transcript NM_004407.4 (MANE Select); coding-DNA position 1466, G replaced by A.
Protein change: p.Arg489Gln; replaces arginine 489 with glutamine.
Molecular consequence: missense variant.
Genome position (GRCh38, 1-based): chr4:87,663,244, G>A. VCF-style: chr4-87663244-G-A. GRCh37 (hg19) VCF-style: chr4-88584396-G-A.
Other names: c.1418G>A, p.Arg473Gln (NM_001079911.3); short protein forms R473Q, R489Q.
Identifiers: ClinVar variation 2414864 (VCV002414864.5), dbSNP rs751766468, ClinGen allele CA3002210.
Genomic context (GRCh38, chr4:87,663,244, plus strand): 5'-CGGAGAGCAAATCAAGCAGTGAGGAAGATGGCCAGTTGAAAAACATTGAGATAGAGAGCC[G>A]GAAATTAACAGTTGATGCCTATCACAACAAACCCATTGGGGACCAAGATGACAATGACTG-3'
Protein context (NP_004398.1, residues 479-499): GQLKNIEIES[Arg489Gln]KLTVDAYHNK